The following is an entry in ClinVar:

ClinVar aggregate classification (germline): Likely benign. Review status: criteria provided, multiple submitters, no conflicts (2 of 4 stars). 2 submissions from 2 submitters: Likely benign (2). Last evaluated 2025-06-20.

Conditions:
Melnick-Needles syndrome (MNS). Also called: MELNICK-NEEDLES OSTEODYSPLASTY; OSTEODYSPLASTY OF MELNICK AND NEEDLES; Melnick-Needles Syndrome (FLNA-MNS). Identifiers: Orphanet 2484, MedGen C0025237, MONDO:0010650, OMIM 309350.
Frontometaphyseal dysplasia (FMD1). Identifiers: Orphanet 1826, MedGen C0265293, MONDO:0015942.
Oto-palato-digital syndrome, type II (OPD2). Also called: FACIOPALATOOSSEOUS SYNDROME; OPD II SYNDROME; Otopalatodigital Syndrome, Type II; Otopalatodigital Syndrome Type 2 (FLNA-OPD2). Identifiers: Orphanet 669, Orphanet 90652, MedGen C1844696, MONDO:0010571, OMIM 304120.
Heterotopia, periventricular, X-linked dominant (PVNH1). Also called: PERIVENTRICULAR NODULAR HETEROTOPIA 1; X-linked periventricular heterotopia; PERIVENTRICULAR NODULAR HETEROTOPIA 4; HETEROTOPIA, PERIVENTRICULAR, 1. Identifiers: Orphanet 2149, Orphanet 82004, MedGen C1848213, MONDO:0010233, OMIM 300049.

Submissions (2):

Labcorp Genetics (formerly Invitae), Labcorp
Classification: Likely benign for Oto-palato-digital syndrome, type II; Heterotopia, periventricular, X-linked dominant; Frontometaphyseal dysplasia; Melnick-Needles syndrome. Last evaluated: 2025-06-20. Review status: criteria provided, single submitter. Criteria: Invitae Variant Classification Sherloc (09022015). Collection method: clinical testing. Allele origin: germline.

CeGaT Center for Human Genetics Tuebingen
Classification: Likely benign. Last evaluated: 2024-05-01. Review status: criteria provided, single submitter. Criteria: CeGaT Center For Human Genetics Tuebingen Variant Classification Criteria Version 2. Collection method: clinical testing. Allele origin: germline. Affected: yes. Observed: 1 variant allele.
Comment: FLNA: PM2:Supporting, BP4, BP7

NM_001110556.2(FLNA):c.1470C>T (p.Leu490=)

Gene: FLNA (filamin A; minus strand). Cytogenetic location: Xq28.
Variant type: single nucleotide variant.
Coding change: c.1470C>T on transcript NM_001110556.2 (MANE Select); coding-DNA position 1470, C replaced by T.
Protein change: p.Leu490=; no amino-acid change (leucine 490 retained).
Molecular consequence: synonymous variant.
Genome position (GRCh38, 1-based): chrX:154,365,446, G>A on the plus strand (C>T on the coding strand, the complement: FLNA is on the minus strand). VCF-style: chrX-154365446-G-A. GRCh37 (hg19) VCF-style: chrX-153593814-G-A.
Other names: c.1470C>T, p.Leu490= (NM_001456.4).
Identifiers: ClinVar variation 3239373 (VCV003239373.20), dbSNP rs2522757874.